The following is an entry in ClinVar:

ClinVar aggregate classification (germline): Uncertain significance (1 of 4 stars; one submission).

Conditions:
Coffin-Lowry syndrome (CLS). Also called: COFFIN-LOWRY SYNDROME, MILD; Mental retardation with osteocartilaginous abnormalities. Identifiers: Orphanet 192, MedGen C0265252, MONDO:0010561, OMIM 303600.

Submission:

3billion
Classification: Uncertain significance for Coffin-Lowry syndrome. Last evaluated: 2025-12-17. Review status: criteria provided, single submitter. Criteria: ACMG Guidelines, 2015. Collection method: clinical testing. Allele origin: germline. Affected: yes.
Comment: The variant is not observed in the gnomAD v4.1.0 dataset. Predicted Consequence/Location: Missense variant In silico tool predictions suggest damaging effect of the variant on gene or gene product [REVEL: 0.76 (>=0.6, sensitivity 0.68 and specificity 0.92); 3Cnet: 0.87 (> 0.75, sensitivity 0.96 and precision 0.92)]. Therefore, this variant is classified as VUS according to the recommendation of ACMG/AMP guideline.

NM_004586.3(RPS6KA3):c.791G>A (p.Gly264Asp)

Gene: RPS6KA3 (ribosomal protein S6 kinase A3; minus strand). Cytogenetic location: Xp22.12.
Variant type: single nucleotide variant.
Coding change: c.791G>A on transcript NM_004586.3 (MANE Select); coding-DNA position 791, G replaced by A.
Protein change: p.Gly264Asp; replaces glycine 264 with aspartic acid.
Molecular consequence: missense variant.
Genome position (GRCh38, 1-based): chrX:20,186,350, C>T on the plus strand (G>A on the coding strand, the complement: RPS6KA3 is on the minus strand). VCF-style: chrX-20186350-C-T. GRCh37 (hg19) VCF-style: chrX-20204468-C-T.
Other names: c.707G>A, p.Gly236Asp (NM_001438340.1); short protein forms G236D, G264D.
Identifiers: ClinVar variation 4855580 (VCV004855580.1).
Genomic context (GRCh38, chrX:20,186,350, plus strand): 5'-ACTTACTTAAGAATCATAGTCATTGTTTCTTTTCGATCTTTTCCTTGGAAAGGGAGTGTA[C>T]CAGTAAGCATTTCAAACTACAGAAAGGCAAAATAATCAGAAGTGTTAGTCAATAAATATA-3'
Protein context (NP_004577.1, residues 254-274): FGVLMFEMLT[Gly264Asp]TLPFQGKDRK